The following is an entry in ClinVar:

ClinVar aggregate classification (germline): Uncertain significance (1 of 4 stars; one submission).

Submission:

Labcorp Genetics (formerly Invitae), Labcorp
Classification: Uncertain significance. Last evaluated: 2021-08-18. Review status: criteria provided, single submitter. Criteria: Invitae Variant Classification Sherloc (09022015). Collection method: clinical testing. Allele origin: germline.
Comment: This variant is a gross deletion of the genomic region encompassing exon(s) 2-3 of the RP1L1 gene, which includes the initiator codon. This deletion extends beyond the assayed region for this gene and therefore may encompass additional genes. It is expected to result in an absent or disrupted protein product. However, the current clinical and genetic evidence is not sufficient to establish whether loss-of-function variants in RP1L1 cause disease. This variant has not been reported in the literature in individuals affected with RP1L1-related conditions. In summary, the available evidence is currently insufficient to determine the role of this variant in disease. Therefore, it has been classified as a Variant of Uncertain Significance.

NC_000008.10:g.(?_10473936)_(10480711_?)del

Gene: RP1L1 (RP1 like 1). Cytogenetic location: 8p23.1.
Variant type: Deletion.
Identifiers: ClinVar variation 1446691 (VCV001446691.4).